The following is an entry in ClinVar:

ClinVar aggregate classification (germline): Uncertain significance (1 of 4 stars; one submission).

Conditions:
Alagille syndrome due to a JAG1 point mutation. Also called: Alagille Syndrome 1; JAG1-Related Alagille Syndrome; HEPATIC DUCTULAR HYPOPLASIA, SYNDROMATIC. Identifiers: Orphanet 261619, Orphanet 52, MedGen C1956125, MONDO:0016862, OMIM 118450.

Submission:

Labcorp Genetics (formerly Invitae), Labcorp
Classification: Uncertain significance for Alagille syndrome due to a JAG1 point mutation. Last evaluated: 2025-12-01. Review status: criteria provided, single submitter. Criteria: Invitae Variant Classification Sherloc (09022015). Collection method: clinical testing. Allele origin: germline.
Comment: This sequence change replaces arginine, which is basic and polar, with proline, which is neutral and non-polar, at codon 2 of the JAG1 protein (p.Arg2Pro). This variant is not present in population databases (gnomAD no frequency). This variant has not been reported in the literature in individuals affected with JAG1-related conditions. Invitae Evidence Modeling of protein sequence and biophysical properties (such as structural, functional, and spatial information, amino acid conservation, physicochemical variation, residue mobility, and thermodynamic stability) indicates that this missense variant is not expected to disrupt JAG1 protein function with a negative predictive value of 95%. In summary, the available evidence is currently insufficient to determine the role of this variant in disease. Therefore, it has been classified as a Variant of Uncertain Significance.

NM_000214.3(JAG1):c.5G>C (p.Arg2Pro)

Gene: JAG1 (jagged canonical Notch ligand 1; minus strand). Cytogenetic location: 20p12.2.
Variant type: single nucleotide variant.
Coding change: c.5G>C on transcript NM_000214.3 (MANE Select); coding-DNA position 5, G replaced by C.
Protein change: p.Arg2Pro; replaces arginine 2 with proline.
Molecular consequence: missense variant.
Genome position (GRCh38, 1-based): chr20:10,673,526, C>G on the plus strand (G>C on the coding strand, the complement: JAG1 is on the minus strand). VCF-style: chr20-10673526-C-G. GRCh37 (hg19) VCF-style: chr20-10654174-C-G.
Other names: short protein forms R2P.
Identifiers: ClinVar variation 4734990 (VCV004734990.1).